The following is an entry in ClinVar:

ClinVar aggregate classification (germline): Uncertain significance (1 of 4 stars; one submission).

Conditions:
Autoimmune interstitial lung disease-arthritis syndrome. Also called: Autoinflammation and autoimmunity, systemic, with immune dysregulation. Identifiers: Orphanet 444092, MedGen C5975714, MONDO:0014629.

Submission:

Labcorp Genetics (formerly Invitae), Labcorp
Classification: Uncertain significance for Autoimmune interstitial lung disease-arthritis syndrome. Last evaluated: 2024-04-15. Review status: criteria provided, single submitter. Criteria: Invitae Variant Classification Sherloc (09022015). Collection method: clinical testing. Allele origin: germline.
Comment: This sequence change creates a premature translational stop signal (p.Ala1048Cysfs*12) in the COPA gene. It is expected to result in an absent or disrupted protein product. However, the current clinical and genetic evidence is not sufficient to establish whether loss-of-function variants in COPA cause disease. This variant is not present in population databases (gnomAD no frequency). This variant has not been reported in the literature in individuals affected with COPA-related conditions. In summary, the available evidence is currently insufficient to determine the role of this variant in disease. Therefore, it has been classified as a Variant of Uncertain Significance.

NM_004371.4(COPA):c.3141dup (p.Ala1048fs)

Gene: COPA (coat protein complex I subunit alpha; minus strand). Cytogenetic location: 1q23.2.
Variant type: Duplication.
Coding change: c.3141dup on transcript NM_004371.4 (MANE Select); coding-DNA position 3141, one base duplicated (T; older notation c.3141dupT).
Protein change: p.Ala1048fs; shifts the reading frame from alanine 1048.
Molecular consequence: frameshift variant.
Genome position (GRCh38, 1-based): chr1:160,292,018, A duplicated on the plus strand (T on the coding strand, the reverse complement: COPA is on the minus strand); the first of 2 consecutive A bases (chr1:160,292,018-160,292,019); duplicating either gives the same sequence. VCF-style (leftmost placement, unchanged base first): chr1-160292017-C-CA. GRCh37 (hg19) VCF-style: chr1-160261807-C-CA.
Other names: c.3168dup, p.Ala1057fs (NM_001098398.2); short protein forms A1048fs, A1057fs.
Identifiers: ClinVar variation 3649958 (VCV003649958.2).